The following is an entry in ClinVar:

NM_001129.5(AEBP1):c.1672G>A (p.Asp558Asn)

Gene: AEBP1 (AE binding protein 1; plus strand). Cytogenetic location: 7p13.
Variant type: single nucleotide variant.
Coding change: c.1672G>A on transcript NM_001129.5 (MANE Select); coding-DNA position 1672, G replaced by A.
Protein change: p.Asp558Asn; replaces aspartic acid 558 with asparagine.
Molecular consequence: missense variant.
Genome position (GRCh38, 1-based): chr7:44,111,195, G>A. VCF-style: chr7-44111195-G-A. GRCh37 (hg19) VCF-style: chr7-44150794-G-A.
Other names: short protein forms D558N.
Identifiers: ClinVar variation 2172290 (VCV002172290.3), dbSNP rs143113716, ClinGen allele CA4237962.

ClinVar aggregate classification (germline): Uncertain significance. Review status: criteria provided, multiple submitters, no conflicts (2 of 4 stars). 2 submissions from 2 submitters: Uncertain significance (2). Last evaluated 2026-04-22.

Allele frequency attached by ClinVar (database versions not stated): gnomAD 0.00002; TOPMed 0.00002; ExAC 0.00003; ESP Exome Variant Server 0.00008.
gnomAD v4.1: 26 of 1,515,454 alleles (0.0017%); highest among the groups gnomAD compares: Admixed American, 0.0044%; no homozygotes.

Submissions (2):

Women's Health and Genetics/Laboratory Corporation of America, LabCorp
Classification: Uncertain significance. Last evaluated: 2026-04-22. Review status: criteria provided, single submitter. Criteria: LabCorp Variant Classification Summary - May 2015. Collection method: clinical testing. Allele origin: germline.
Comment: Variant summary: AEBP1 c.1672G>A (p.Asp558Asn) results in a conservative amino acid change in the encoded protein sequence. Algorithms developed to predict the effect of missense changes on protein structure and function are either unavailable or do not agree on the potential impact of this missense change. The variant allele was found at a frequency of 2.2e-05 in 179136 control chromosomes. The available data on variant occurrences in the general population are insufficient to allow any conclusion about variant significance. To our knowledge, no occurrence of c.1672G>A in individuals affected with AEBP1-related conditions and no experimental evidence demonstrating its impact on protein function have been reported. ClinVar contains an entry for this variant (Variation ID: 2172290). Based on the evidence outlined above, the variant was classified as uncertain significance.

Labcorp Genetics (formerly Invitae), Labcorp
Classification: Uncertain significance. Last evaluated: 2022-01-04. Review status: criteria provided, single submitter. Criteria: Invitae Variant Classification Sherloc (09022015). Collection method: clinical testing. Allele origin: germline.
Comment: In summary, the available evidence is currently insufficient to determine the role of this variant in disease. Therefore, it has been classified as a Variant of Uncertain Significance. Algorithms developed to predict the effect of missense changes on protein structure and function are either unavailable or do not agree on the potential impact of this missense change (SIFT: "Deleterious"; PolyPhen-2: "Possibly Damaging"; Align-GVGD: "Class C0"). This variant has not been reported in the literature in individuals affected with AEBP1-related conditions. This variant is present in population databases (rs143113716, gnomAD 0.009%). This sequence change replaces aspartic acid, which is acidic and polar, with asparagine, which is neutral and polar, at codon 558 of the AEBP1 protein (p.Asp558Asn).